The following is an entry in ClinVar:

NM_000066.4(C8B):c.681C>T (p.Tyr227=)

Gene: C8B (complement C8 beta chain; minus strand). Cytogenetic location: 1p32.2.
Variant type: single nucleotide variant.
Coding change: c.681C>T on transcript NM_000066.4 (MANE Select); coding-DNA position 681, C replaced by T.
Protein change: p.Tyr227=; no amino-acid change (tyrosine 227 retained).
Molecular consequence: synonymous variant.
Genome position (GRCh38, 1-based): chr1:56,949,738, G>A on the plus strand (C>T on the coding strand, the complement: C8B is on the minus strand). VCF-style: chr1-56949738-G-A. GRCh37 (hg19) VCF-style: chr1-57415411-G-A.
Other names: c.681C>T (NM_000066.3); c.525C>T, p.Tyr175= (NM_001278543.2); c.495C>T, p.Tyr165= (NM_001278544.2).
Identifiers: ClinVar variation 1601317 (VCV001601317.35), dbSNP rs138606922, ClinGen allele CA875881.

ClinVar aggregate classification (germline): Benign/Likely benign. Review status: criteria provided, multiple submitters, no conflicts (2 of 4 stars). 5 submissions from 5 submitters: Benign (2); Likely benign (2). 1 of the submissions does not count toward it. Last evaluated 2026-01-02.

Conditions:
C8B-related disorder. Also called: C8B-related condition.

Allele frequency attached by ClinVar (database versions not stated): gnomAD exomes 0.00038; ExAC 0.00051; gnomAD 0.00093 and 0.00095; TOPMed 0.00110; ESP Exome Variant Server 0.00138; 1000 Genomes Project 0.00220; 1000 Genomes Project 30x 0.00234.
gnomAD v4.1: 373 of 1,612,136 alleles (0.023%); highest among the groups gnomAD compares: African/African-American, 0.31%; no homozygotes.

Submissions (5):

Labcorp Genetics (formerly Invitae), Labcorp
Classification: Benign. Last evaluated: 2026-01-02. Review status: criteria provided, single submitter. Criteria: Invitae Variant Classification Sherloc (09022015). Collection method: clinical testing. Allele origin: germline.

Blueprint Genetics
Classification: Likely benign. Last evaluated: 2024-11-22. Review status: criteria provided, single submitter. Criteria: ACMG Guidelines, 2015. Collection method: clinical testing. Allele origin: germline.

CeGaT Center for Human Genetics Tuebingen
Classification: Likely benign. Last evaluated: 2022-04-01. Review status: criteria provided, single submitter. Criteria: CeGaT Center For Human Genetics Tuebingen Variant Classification Criteria Version 2. Collection method: clinical testing. Allele origin: germline. Affected: yes. Observed: 1 variant allele.
Comment: C8B: BP4, BP7

Breakthrough Genomics
Classification: Benign. Review status: criteria provided, single submitter. Criteria: ACMG Guidelines, 2015. Collection method: not provided. Allele origin: germline. Inheritance: Autosomal recessive inheritance. Affected: yes.

PreventionGenetics, part of Exact Sciences
Classification: Likely benign for C8B-related condition. Last evaluated: 2019-03-04. Review status: no assertion criteria provided. Collection method: clinical testing. Allele origin: germline. Not counted in ClinVar's aggregate classification.
Comment: This variant is classified as likely benign based on ACMG/AMP sequence variant interpretation guidelines (Richards et al. 2015 PMID: 25741868, with internal and published modifications).